The following is an entry in ClinVar:

NM_001303256.3(MORC2):c.658C>T (p.Pro220Ser)

Gene: MORC2 (MORC family CW-type zinc finger 2; minus strand). Cytogenetic location: 22q12.2.
Variant type: single nucleotide variant.
Coding change: c.658C>T on transcript NM_001303256.3 (MANE Select); coding-DNA position 658, C replaced by T.
Protein change: p.Pro220Ser; replaces proline 220 with serine.
Molecular consequence: missense variant.
Genome position (GRCh38, 1-based): chr22:30,941,931, G>A on the plus strand (C>T on the coding strand, the complement: MORC2 is on the minus strand). VCF-style: chr22-30941931-G-A. GRCh37 (hg19) VCF-style: chr22-31337918-G-A.
Other names: c.658C>T (NM_001303256.2); c.658C>T, p.Pro220Ser (NM_001303257.2); c.472C>T, p.Pro158Ser (NM_014941.3); short protein forms P158S, P220S.
Identifiers: ClinVar variation 1979098 (VCV001979098.5), dbSNP rs2517603482, ClinGen allele CA411242812.

ClinVar aggregate classification (germline): Uncertain significance. Review status: criteria provided, multiple submitters, no conflicts (2 of 4 stars). 2 submissions from 2 submitters: Uncertain significance (2). Last evaluated 2023-02-22.

Conditions:
Charcot-Marie-Tooth disease axonal type 2Z. Also called: CHARCOT-MARIE-TOOTH DISEASE, AXONAL, AUTOSOMAL DOMINANT, TYPE 2Z; CHARCOT-MARIE-TOOTH NEUROPATHY, TYPE 2Z. Identifiers: Orphanet 466768, MedGen C5569025, MONDO:0014736, OMIM 616688.

Submissions (2):

GeneDx
Classification: Uncertain significance. Last evaluated: 2023-02-22. Review status: criteria provided, single submitter. Criteria: GeneDx Variant Classification Process June 2021. Collection method: clinical testing. Allele origin: germline. Affected: yes.
Comment: Not observed at significant frequency in large population cohorts (gnomAD); In silico analysis supports that this missense variant has a deleterious effect on protein structure/function; Has not been previously published as pathogenic or benign to our knowledge

Labcorp Genetics (formerly Invitae), Labcorp
Classification: Uncertain significance for Charcot-Marie-Tooth disease axonal type 2Z. Last evaluated: 2022-06-22. Review status: criteria provided, single submitter. Criteria: Invitae Variant Classification Sherloc (09022015). Collection method: clinical testing. Allele origin: germline.
Comment: In summary, the available evidence is currently insufficient to determine the role of this variant in disease. Therefore, it has been classified as a Variant of Uncertain Significance. Advanced modeling of protein sequence and biophysical properties (such as structural, functional, and spatial information, amino acid conservation, physicochemical variation, residue mobility, and thermodynamic stability) performed at Invitae indicates that this missense variant is expected to disrupt MORC2 protein function. This variant has not been reported in the literature in individuals affected with MORC2-related conditions. This variant is not present in population databases (gnomAD no frequency). This sequence change replaces proline, which is neutral and non-polar, with serine, which is neutral and polar, at codon 220 of the MORC2 protein (p.Pro220Ser).